The following is an entry in ClinVar:

NC_000011.9:g.(?_22215039)_(22225416_?)del

Gene: ANO5 (anoctamin 5; plus strand). Cytogenetic location: 11p14.3.
Variant type: Deletion.
Identifiers: ClinVar variation 1459484 (VCV001459484.7).

ClinVar aggregate classification (germline): Pathogenic (1 of 4 stars; one submission).

Conditions:
Gnathodiaphyseal dysplasia (GDD). Also called: GNATHODIAPHYSEAL SCLEROSIS; OSTEOGENESIS IMPERFECTA WITH UNUSUAL SKELETAL LESIONS. Identifiers: Orphanet 53697, MedGen C1833736, MONDO:0008151, OMIM 166260.
Autosomal recessive limb-girdle muscular dystrophy type 2L (LGMDR12). Also called: Limb-girdle muscular dystrophy, type 2L; MUSCULAR DYSTROPHY, LIMB-GIRDLE, AUTOSOMAL RECESSIVE 12; Limb-Girdle Muscular Dystrophy R12 Anoctamin-5-Related (LGMD-R12). Identifiers: Orphanet 206549, MedGen C1969785, MONDO:0012652, OMIM 611307.

Submission:

Labcorp Genetics (formerly Invitae), Labcorp
Classification: Pathogenic for Autosomal recessive limb-girdle muscular dystrophy type 2L; Gnathodiaphyseal dysplasia. Last evaluated: 2023-03-08. Review status: criteria provided, single submitter. Criteria: Invitae Variant Classification Sherloc (09022015). Collection method: clinical testing. Allele origin: germline.
Comment: For these reasons, this variant has been classified as Pathogenic. This variant has not been reported in the literature in individuals affected with ANO5-related conditions. This variant is a gross deletion of the genomic region encompassing exon(s) 1-2 of the ANO5 gene, which includes the initiator codon. This deletion extends beyond the assayed region for this gene and therefore may encompass additional genes. It is expected to result in an absent or disrupted protein product. Loss-of-function variants in ANO5 are known to be pathogenic (PMID: 21186264, 23606453, 25891276, 30919934).

Literature cited by the submitters: PubMed 21186264; PubMed 23606453; PubMed 25891276; PubMed 30919934.